The following is an entry in ClinVar:

NM_024996.7(GFM1):c.1198C>T (p.Arg400Cys)

Gene: GFM1 (G elongation factor mitochondrial 1; plus strand). Cytogenetic location: 3q25.32.
Variant type: single nucleotide variant.
Coding change: c.1198C>T on transcript NM_024996.7 (MANE Select); coding-DNA position 1198, C replaced by T.
Protein change: p.Arg400Cys; replaces arginine 400 with cysteine.
Molecular consequence: missense variant. On other transcripts: non-coding transcript variant (4), intron variant (1).
Genome position (GRCh38, 1-based): chr3:158,659,036, C>T. VCF-style: chr3-158659036-C-T. GRCh37 (hg19) VCF-style: chr3-158376825-C-T.
Other names: c.1255C>T, p.Arg419Cys (NM_001308164.2); c.1198C>T, p.Arg400Cys (NM_001308166.2); c.1081C>T, p.Arg361Cys (NM_001374356.1); c.973C>T, p.Arg325Cys (NM_001374357.1); c.739C>T, p.Arg247Cys (NM_001374358.1); c.631C>T, p.Arg211Cys (NM_001374359.1, NM_001374360.1); c.514C>T, p.Arg172Cys (NM_001374361.1); c.1141-1838C>T (NM_001374355.1); short protein forms R172C, R211C, R247C, R325C, R361C, R400C, R419C.
Identifiers: ClinVar variation 991779 (VCV000991779.4), dbSNP rs374335959, ClinGen allele CA2682554.

ClinVar aggregate classification (germline): Uncertain significance. Review status: criteria provided, multiple submitters, no conflicts (2 of 4 stars). 3 submissions from 3 submitters: Uncertain significance (2). 1 of the submissions does not count toward it. Last evaluated 2022-07-23.

Conditions:
Hepatoencephalopathy due to combined oxidative phosphorylation defect type 1. Also called: HEPATOENCEPHALOPATHY, EARLY FATAL PROGRESSIVE. Identifiers: Orphanet 137681, MedGen C1836797, MONDO:0012191, OMIM 609060.

Allele frequency attached by ClinVar (database versions not stated): TOPMed 0.00003; gnomAD 0.00004 and 0.00005; ExAC 0.00005; gnomAD exomes 0.00002 and 0.00003; ESP Exome Variant Server 0.00008.

Submissions (3):

Labcorp Genetics (formerly Invitae), Labcorp
Classification: Uncertain significance. Last evaluated: 2022-07-23. Review status: criteria provided, single submitter. Criteria: Invitae Variant Classification Sherloc (09022015). Collection method: clinical testing. Allele origin: germline.
Comment: This sequence change replaces arginine, which is basic and polar, with cysteine, which is neutral and slightly polar, at codon 400 of the GFM1 protein (p.Arg400Cys). This variant is present in population databases (rs374335959, gnomAD 0.02%). This variant has not been reported in the literature in individuals affected with GFM1-related conditions. ClinVar contains an entry for this variant (Variation ID: 991779). Algorithms developed to predict the effect of missense changes on protein structure and function are either unavailable or do not agree on the potential impact of this missense change (SIFT: "Deleterious"; PolyPhen-2: "Benign"; Align-GVGD: "Class C65"). In summary, the available evidence is currently insufficient to determine the role of this variant in disease. Therefore, it has been classified as a Variant of Uncertain Significance.

Fulgent Genetics
Classification: Uncertain significance for Hepatoencephalopathy due to combined oxidative phosphorylation defect type 1. Last evaluated: 2022-05-05. Review status: criteria provided, single submitter. Criteria: ACMG Guidelines, 2015. Collection method: clinical testing. Allele origin: unknown.

Natera, Inc.
Classification: Uncertain significance for Combined oxidative phosphorylation deficiency 1. Last evaluated: 2020-08-14. Review status: no assertion criteria provided. Collection method: clinical testing. Allele origin: germline. Not counted in ClinVar's aggregate classification.